The following is an entry in ClinVar:

ClinVar aggregate classification (germline): Pathogenic (1 of 4 stars; one submission).

Submission:

Labcorp Genetics (formerly Invitae), Labcorp
Classification: Pathogenic. Last evaluated: 2021-08-07. Review status: criteria provided, single submitter. Criteria: Invitae Variant Classification Sherloc (09022015). Collection method: clinical testing. Allele origin: germline.
Comment: For these reasons, this variant has been classified as Pathogenic. This variant has not been reported in the literature in individuals affected with CDH23-related conditions. This variant is not present in population databases (ExAC no frequency). This sequence change creates a premature translational stop signal (p.His2054Thrfs*26) in the CDH23 gene. It is expected to result in an absent or disrupted protein product. Loss-of-function variants in CDH23 are known to be pathogenic (PMID: 11138009, 21940737).

Literature cited by the submitters: PubMed 11138009; PubMed 21940737.

NM_022124.6(CDH23):c.6160del (p.His2054fs)

Gene: CDH23 (cadherin related 23; plus strand). Cytogenetic location: 10q22.1.
Variant type: Deletion.
Coding change: c.6160del on transcript NM_022124.6 (MANE Select); coding-DNA position 6160, one base deleted (C; older notation c.6160delC).
Protein change: p.His2054fs; shifts the reading frame from histidine 2054.
Molecular consequence: frameshift variant.
Genome position (GRCh38, 1-based): chr10:71,791,242, C deleted; the last of 3 consecutive C bases (chr10:71,791,240-71,791,242); deleting any one gives the same sequence. VCF-style (leftmost placement, unchanged base first): chr10-71791239-GC-G. GRCh37 (hg19) VCF-style: chr10-73550996-GC-G.
Other names: short protein forms H2054fs.
Identifiers: ClinVar variation 1388320 (VCV001388320.6), dbSNP rs2132949791, ClinGen allele CA2573145382.